The following is an entry in ClinVar:

ClinVar aggregate classification (germline): Uncertain significance. Review status: criteria provided, multiple submitters, no conflicts (2 of 4 stars). 2 submissions from 2 submitters: Uncertain significance (2). Last evaluated 2025-05-18.

Conditions:
Inborn genetic diseases. Identifiers: MedGen C0950123, MeSH D030342.
Hermansky-Pudlak syndrome 2 (HPS2). Also called: Platelet defects and oculocutaneous albinism. Identifiers: Orphanet 183678, Orphanet 79430, MedGen C1842362, MONDO:0011997, OMIM 608233.

Allele frequency attached by ClinVar (database versions not stated): ExAC 0.00001; gnomAD 0.00001 and 0.00003; gnomAD exomes 0.00002; TOPMed 0.00002.
gnomAD v4.1: 19 of 1,609,846 alleles (0.0012%); highest among the groups gnomAD compares: South Asian, 0.0099%; no homozygotes.

Submissions (2):

Ambry Genetics
Classification: Uncertain significance for Inborn genetic diseases. Last evaluated: 2025-05-18. Review status: criteria provided, single submitter. Criteria: Ambry Variant Classification Scheme 2023. Collection method: clinical testing. Allele origin: germline.

Labcorp Genetics (formerly Invitae), Labcorp
Classification: Uncertain significance for Hermansky-Pudlak syndrome 2. Last evaluated: 2021-11-11. Review status: criteria provided, single submitter. Criteria: Invitae Variant Classification Sherloc (09022015). Collection method: clinical testing. Allele origin: germline.
Comment: This sequence change replaces glutamic acid, which is acidic and polar, with glycine, which is neutral and non-polar, at codon 996 of the AP3B1 protein (p.Glu996Gly). This variant is present in population databases (rs746992047, gnomAD 0.01%). This variant has not been reported in the literature in individuals affected with AP3B1-related conditions. Algorithms developed to predict the effect of missense changes on protein structure and function are either unavailable or do not agree on the potential impact of this missense change (SIFT: "Deleterious"; PolyPhen-2: "Benign"; Align-GVGD: "Class C0"). In summary, the available evidence is currently insufficient to determine the role of this variant in disease. Therefore, it has been classified as a Variant of Uncertain Significance.

NM_003664.5(AP3B1):c.2987A>G (p.Glu996Gly)

Gene: AP3B1 (adaptor related protein complex 3 subunit beta 1; minus strand). Cytogenetic location: 5q14.1.
Variant type: single nucleotide variant.
Coding change: c.2987A>G on transcript NM_003664.5 (MANE Select); coding-DNA position 2987, A replaced by G.
Protein change: p.Glu996Gly; replaces glutamic acid 996 with glycine.
Molecular consequence: missense variant.
Genome position (GRCh38, 1-based): chr5:78,020,697, T>C on the plus strand (A>G on the coding strand, the complement: AP3B1 is on the minus strand). VCF-style: chr5-78020697-T-C. GRCh37 (hg19) VCF-style: chr5-77316521-T-C.
Other names: c.2840A>G, p.Glu947Gly (NM_001271769.2); c.2987A>G (NM_003664.3); short protein forms E947G, E996G.
Identifiers: ClinVar variation 1393238 (VCV001393238.4), dbSNP rs746992047, ClinGen allele CA3316609.
Genomic context (GRCh38, chr5:78,020,697, plus strand): 5'-ATAAGCACATATTATTTGGTATGTAAATTTCTAGTAAGTTGTAGACATCTCTCACCTTGC[T>C]CTTTCTTAAAATCTTTCTCTGACATGGCCACAGGTAAAAGCAGTTCTCCAACAGGTGGCT-3'
Protein context (NP_003655.3, residues 986-1006): VAMSEKDFKK[Glu996Gly]QGVLTGMNET